The following is an entry in ClinVar:

ClinVar aggregate classification (germline): Pathogenic (1 of 4 stars; one submission).

Conditions:
Focal segmental glomerulosclerosis and neurodevelopmental syndrome. Identifiers: MedGen C5561938, MONDO:0100111, OMIM 619428.

Submission:

Variantyx, Inc.
Classification: Pathogenic for Focal segmental glomerulosclerosis and neurodevelopmental syndrome. Last evaluated: 2025-06-19. Review status: criteria provided, single submitter. Criteria: Variantyx Assertion Criteria 2022. Collection method: clinical testing. Allele origin: germline. Inheritance: Autosomal dominant inheritance. Affected: yes.
Comment: This is a frameshift variant in the TRIM8 gene (OMIM: 606125). Pathogenic variants in this gene have been associated with autosomal dominant focal segmental glomerulosclerosis and neurodevelopmental syndrome. This variant introduces a premature termination codon in exon 6 out of 6. To date, all reported TRIM8 variants identified in individuals with focal segmental glomerulosclerosis and neurodevelopmental syndrome are nonsense or frameshift variants, clustered within the last exon, between residues 390 and 487. These variants are expected to escape nonsense-mediated decay and result in truncated proteins thought to have gain-of-function or toxic effects (PMID: 33508234, 23934111, 27346735, 30244534, 32193649, 32531461) (PVS1). This variant is absent from control populations (PM2) and it has not been reported in individuals with TRIM8-related disorders in the databases available for review. Based on the current evidence, this variant is classified as pathogenic for autosomal dominant focal segmental glomerulosclerosis and neurodevelopmental syndrome.

Literature cited by the submitters: PubMed 33508234; PubMed 23934111; PubMed 27346735; PubMed 30244534; PubMed 32193649; PubMed 32531461.

NM_030912.3(TRIM8):c.1247dup (p.Pro418fs)

Gene: TRIM8 (tripartite motif containing 8; plus strand). Cytogenetic location: 10q24.32.
Variant type: Duplication.
Coding change: c.1247dup on transcript NM_030912.3 (MANE Select); coding-DNA position 1247, one base duplicated (T; older notation c.1247dupT).
Protein change: p.Pro418fs; shifts the reading frame from proline 418.
Molecular consequence: frameshift variant. On other transcripts: non-coding transcript variant (1).
Genome position (GRCh38, 1-based): chr10:102,656,945, T duplicated. VCF-style (leftmost placement, unchanged base first): chr10-102656944-C-CT. GRCh37 (hg19) VCF-style: chr10-104416701-C-CT.
Other names: c.1151dup, p.Pro386fs (NM_001345950.1); short protein forms P386fs, P418fs.
Identifiers: ClinVar variation 4850215 (VCV004850215.1).